The following is an entry in ClinVar:

ClinVar aggregate classification (germline): Likely pathogenic (1 of 4 stars; one submission).

Conditions:
Autosomal recessive limb-girdle muscular dystrophy type 2J (LGMDR10). Also called: Limb-girdle muscular dystrophy, type 2J; MUSCULAR DYSTROPHY, LIMB-GIRDLE, AUTOSOMAL RECESSIVE 10. Identifiers: Orphanet 140922, MedGen C1837342, MONDO:0012127, OMIM 608807.
Dilated cardiomyopathy 1G (CMD1G). Identifiers: Orphanet 154, MedGen C1858763, MONDO:0011400, OMIM 604145.

Submission:

Labcorp Genetics (formerly Invitae), Labcorp
Classification: Likely pathogenic for Dilated cardiomyopathy 1G; Autosomal recessive limb-girdle muscular dystrophy type 2J. Last evaluated: 2024-12-04. Review status: criteria provided, single submitter. Criteria: Invitae Variant Classification Sherloc (09022015). Collection method: clinical testing. Allele origin: germline.
Comment: This sequence change creates a premature translational stop signal (p.Lys23073Asnfs*2) in the TTN gene. While this is not anticipated to result in nonsense mediated decay, it is expected to create a truncated TTN protein. This variant is not present in population databases (gnomAD no frequency). This variant has not been reported in the literature in individuals affected with TTN-related conditions. This variant is located in the A band of TTN (PMID: 25589632). Truncating variants in this region are significantly overrepresented in patients affected with dilated cardiomyopathy (PMID: 25589632). Truncating variants in this region have also been reported in individuals affected with autosomal recessive centronuclear myopathy (PMID: 23975875). In summary, the currently available evidence indicates that the variant is pathogenic, but additional data are needed to prove that conclusively. Therefore, this variant has been classified as Likely Pathogenic.

Literature cited by the submitters: PubMed 25589632; PubMed 23975875.

NM_001267550.2(TTN):c.69215_69218dup (p.Lys23073delinsAsnTer)

Genes: TTN (titin; minus strand), TTN-AS1 (TTN antisense RNA 1; plus strand). Cytogenetic location: 2q31.2.
Variant type: Duplication.
Coding change: c.69215_69218dup on transcript NM_001267550.2 (MANE Select); coding-DNA positions 69215 to 69218, 4 bases duplicated (TTAA; older notation c.69215_69218dupTTAA).
Protein change: p.Lys23073delinsAsnTer.
Molecular consequence: nonsense.
Genome position (GRCh38, 1-based): chr2:178,577,117-178,577,120, TTAA duplicated on the plus strand (TTAA on the coding strand, the reverse complement: TTN is on the minus strand); duplicating any 4 consecutive bases within chr2:178,577,117-178,577,122 gives the same sequence; the c. name uses the placement nearest the transcript's 3' end. VCF-style (leftmost placement, unchanged base first): chr2-178577116-C-CTTAA. GRCh37 (hg19) VCF-style: chr2-179441843-C-CTTAA.
Other names: c.64292_64295dup, p.Lys21432delinsAsnTer (NM_001256850.1); c.42020_42023dup, p.Lys14008delinsAsnTer (NM_003319.4); c.61511_61514dup, p.Lys20505delinsAsnTer (NM_133378.4); c.42395_42398dup, p.Lys14133delinsAsnTer (NM_133432.3); c.42596_42599dup, p.Lys14200delinsAsnTer (NM_133437.4).
Identifiers: ClinVar variation 3754918 (VCV003754918.2).